The following is an entry in ClinVar:

NM_018368.4(LMBRD1):c.1509+20G>A

Gene: LMBRD1 (LMBR1 domain containing 1; minus strand). Cytogenetic location: 6q13.
Variant type: single nucleotide variant.
Coding change: c.1509+20G>A on transcript NM_018368.4 (MANE Select); 20 bases into the intron after coding-DNA position 1509, G replaced by A.
Molecular consequence: intron variant.
Genome position (GRCh38, 1-based): chr6:69,676,430, C>T on the plus strand (G>A on the coding strand, the complement: LMBRD1 is on the minus strand). VCF-style: chr6-69676430-C-T. GRCh37 (hg19) VCF-style: chr6-70386322-C-T.
Other names: c.1290+20G>A (NM_001367272.1, NM_001367271.1, NM_001363722.2).
Identifiers: ClinVar variation 509272 (VCV000509272.6), dbSNP rs116095397, ClinGen allele CA3879536.
Genomic context (GRCh38, chr6:69,676,430, plus strand): 5'-TAGTAAGATAAAAAGAGTTTACACATTTAACTATAATTTATAAAGGAAGGTCAAATCACG[C>T]GTGGGATATCTGCACTTACCCCAAGAAAGGCCCAGTTACCAAAATAGTAAGCAGCACTGA-3'

ClinVar aggregate classification (germline): Likely benign. Review status: criteria provided, multiple submitters, no conflicts (2 of 4 stars). 2 submissions from 2 submitters: Likely benign (2). Last evaluated 2026-01-21.

Conditions:
Methylmalonic aciduria and homocystinuria type cblF. Also called: COBALAMIN F DISEASE; COBALAMIN, DEFECT IN LYSOSOMAL RELEASE OF; METHYLMALONIC ACIDEMIA AND HOMOCYSTINURIA, cblF TYPE; METHYLMALONIC ACIDURIA DUE TO VITAMIN B12-RELEASE DEFECT; VITAMIN B12 LYSOSOMAL RELEASE DEFECT; VITAMIN B12 STORAGE DISEASE. Identifiers: Orphanet 79284, MedGen C1848578, MONDO:0010183, OMIM 277380.

Allele frequency attached by ClinVar (database versions not stated): TOPMed 0.00008.
gnomAD v4.1: 43 of 1,601,692 alleles (0.0027%); highest among the groups gnomAD compares: Admixed American, 0.01%; no homozygotes.

Submissions (2):

Labcorp Genetics (formerly Invitae), Labcorp
Classification: Likely benign for Methylmalonic aciduria and homocystinuria type cblF. Last evaluated: 2026-01-21. Review status: criteria provided, single submitter. Criteria: Invitae Variant Classification Sherloc (09022015). Collection method: clinical testing. Allele origin: germline.

GeneDx
Classification: Likely benign. Last evaluated: 2017-05-09. Review status: criteria provided, single submitter. Criteria: GeneDx Variant Classification (06012015). Collection method: clinical testing. Allele origin: germline. Affected: yes.
Comment: This variant is considered likely benign or benign based on one or more of the following criteria: it is a conservative change, it occurs at a poorly conserved position in the protein, it is predicted to be benign by multiple in silico algorithms, and/or has population frequency not consistent with disease.